The following is an entry in ClinVar:

NM_015338.6(ASXL1):c.4190G>C (p.Gly1397Ala)

Gene: ASXL1 (ASXL transcriptional regulator 1; plus strand). Cytogenetic location: 20q11.21.
Variant type: single nucleotide variant.
Coding change: c.4190G>C on transcript NM_015338.6 (MANE Select); coding-DNA position 4190, G replaced by C.
Protein change: p.Gly1397Ala; replaces glycine 1397 with alanine.
Molecular consequence: missense variant.
Genome position (GRCh38, 1-based): chr20:32,436,902, G>C. VCF-style: chr20-32436902-G-C. GRCh37 (hg19) VCF-style: chr20-31024705-G-C.
Other names: c.4007G>C, p.Gly1336Ala (NM_001363734.1); short protein forms G1336A, G1397A.
Identifiers: ClinVar variation 1961042 (VCV001961042.6), dbSNP rs745344384, ClinGen allele CA9808988.

ClinVar aggregate classification (germline): Uncertain significance. Review status: criteria provided, multiple submitters, no conflicts (2 of 4 stars). 2 submissions from 2 submitters: Uncertain significance (2). Last evaluated 2025-05-25.

Conditions:
Inborn genetic diseases. Identifiers: MedGen C0950123, MeSH D030342.

Allele frequency attached by ClinVar (database versions not stated): gnomAD exomes below 0.00001; ExAC 0.00001.
gnomAD v4.1: 2 of 1,614,100 alleles (0.00012%); highest among the groups gnomAD compares: Admixed American, 0.0033%; no homozygotes.

Submissions (2):

Ambry Genetics
Classification: Uncertain significance for Inborn genetic diseases. Last evaluated: 2025-05-25. Review status: criteria provided, single submitter. Criteria: Ambry Variant Classification Scheme 2023. Collection method: clinical testing. Allele origin: germline.
Comment: The p.G1397A variant (also known as c.4190G>C), located in coding exon 13 of the ASXL1 gene, results from a G to C substitution at nucleotide position 4190. The glycine at codon 1397 is replaced by alanine, an amino acid with similar properties. This amino acid position is conserved. In addition, this alteration is predicted to be tolerated by in silico analysis. Based on the available evidence, the clinical significance of this variant remains unclear.

Labcorp Genetics (formerly Invitae), Labcorp
Classification: Uncertain significance. Last evaluated: 2022-08-31. Review status: criteria provided, single submitter. Criteria: Invitae Variant Classification Sherloc (09022015). Collection method: clinical testing. Allele origin: germline.
Comment: This sequence change replaces glycine, which is neutral and non-polar, with alanine, which is neutral and non-polar, at codon 1397 of the ASXL1 protein (p.Gly1397Ala). This variant is present in population databases (rs745344384, gnomAD 0.003%). This variant has not been reported in the literature in individuals affected with ASXL1-related conditions. Algorithms developed to predict the effect of missense changes on protein structure and function (SIFT, PolyPhen-2, Align-GVGD) all suggest that this variant is likely to be tolerated. In summary, the available evidence is currently insufficient to determine the role of this variant in disease. Therefore, it has been classified as a Variant of Uncertain Significance.